The following is an entry in ClinVar:

ClinVar aggregate classification (germline): Uncertain significance (1 of 4 stars; one submission).

Allele frequency attached by ClinVar (database versions not stated): gnomAD exomes 0.00003; gnomAD 0.00007; ExAC 0.00003; TOPMed 0.00007.
gnomAD v4.1: 61 of 1,613,512 alleles (0.0038%); highest among the groups gnomAD compares: Admixed American, 0.025%; no homozygotes.

Submission:

Labcorp Genetics (formerly Invitae), Labcorp
Classification: Uncertain significance. Last evaluated: 2024-08-31. Review status: criteria provided, single submitter. Criteria: Invitae Variant Classification Sherloc (09022015). Collection method: clinical testing. Allele origin: germline.
Comment: This sequence change replaces phenylalanine, which is neutral and non-polar, with valine, which is neutral and non-polar, at codon 571 of the MMP9 protein (p.Phe571Val). This variant is present in population databases (rs35691798, gnomAD 0.06%). This variant has not been reported in the literature in individuals affected with MMP9-related conditions. ClinVar contains an entry for this variant (Variation ID: 2058033). Invitae Evidence Modeling of protein sequence and biophysical properties (such as structural, functional, and spatial information, amino acid conservation, physicochemical variation, residue mobility, and thermodynamic stability) has been performed for this missense variant. However, the output from this modeling did not meet the statistical confidence thresholds required to predict the impact of this variant on MMP9 protein function. In summary, the available evidence is currently insufficient to determine the role of this variant in disease. Therefore, it has been classified as a Variant of Uncertain Significance.

NM_004994.3(MMP9):c.1711T>G (p.Phe571Val)

Genes: MMP9 (matrix metallopeptidase 9; plus strand), SLC12A5-AS1 (SLC12A5 and MMP9 antisense RNA 1; minus strand). Cytogenetic location: 20q13.12.
Variant type: single nucleotide variant.
Coding change: c.1711T>G on transcript NM_004994.3 (MANE Select); coding-DNA position 1711, T replaced by G.
Protein change: p.Phe571Val; replaces phenylalanine 571 with valine.
Molecular consequence: missense variant. On other transcripts: non-coding transcript variant (1).
Genome position (GRCh38, 1-based): chr20:46,013,757, T>G. VCF-style: chr20-46013757-T-G. GRCh37 (hg19) VCF-style: chr20-44642396-T-G.
Other names: short protein forms F571V.
Identifiers: ClinVar variation 2058033 (VCV002058033.4), dbSNP rs35691798, ClinGen allele CA9886808.